The following is an entry in ClinVar:

ClinVar aggregate classification (germline): Uncertain significance. Review status: criteria provided, multiple submitters, no conflicts (2 of 4 stars). 8 submissions from 8 submitters: Uncertain significance (7). 1 of the submissions does not count toward it. Last evaluated 2025-11-25.

Conditions:
Cardiac arrhythmia. Also called: Arrhythmia; Cardiac rhythm disease. Identifiers: MedGen C0003811, MONDO:0007263, HP:0011675.
Familial long QT syndrome (RWS). Also called: Congenital long QT syndrome; Romano-Ward syndrome; VENTRICULAR FIBRILLATION WITH PROLONGED QT INTERVAL. Identifiers: Orphanet 768, MedGen C1141890, MONDO:0019171.
Short QT syndrome type 1. Identifiers: Orphanet 51083, MedGen C1865020, MONDO:0012312, OMIM 609620.
Long QT syndrome 2 (LQT2). Identifiers: Orphanet 101016, Orphanet 768, MedGen C3150943, MONDO:0013367, OMIM 613688.
Long QT syndrome (LQTS). Identifiers: MedGen C0023976, MeSH D008133, MONDO:0002442. Disease mechanism: loss of function. Inheritance: Various modes of inheritance.

Allele frequency attached by ClinVar (database versions not stated): TOPMed 0.00004; gnomAD 0.00007.

Submissions (8):

Labcorp Genetics (formerly Invitae), Labcorp
Classification: Uncertain significance for Long QT syndrome. Last evaluated: 2025-11-25. Review status: criteria provided, single submitter. Criteria: Invitae Variant Classification Sherloc (09022015). Collection method: clinical testing. Allele origin: germline.
Comment: This sequence change replaces proline, which is neutral and non-polar, with leucine, which is neutral and non-polar, at codon 1093 of the KCNH2 protein (p.Pro1093Leu). This variant is present in population databases (rs199473545, gnomAD 0.006%). This missense change has been observed in individual(s) with clinical features of long QT syndrome (PMID: 19716085, 22949429, 29727688, 36861347). ClinVar contains an entry for this variant (Variation ID: 67485). An algorithm developed to predict the effect of missense changes on protein structure and function (PolyPhen-2) suggests that this variant is likely to be tolerated. In summary, the available evidence is currently insufficient to determine the role of this variant in disease. Therefore, it has been classified as a Variant of Uncertain Significance.

Blueprint Genetics
Classification: Uncertain significance. Last evaluated: 2023-08-29. Review status: criteria provided, single submitter. Criteria: ACMG Guidelines, 2015. Collection method: clinical testing. Allele origin: germline.

Fulgent Genetics
Classification: Uncertain significance for Short QT syndrome type 1; Long QT syndrome 2. Last evaluated: 2021-07-08. Review status: criteria provided, single submitter. Criteria: ACMG Guidelines, 2015. Collection method: clinical testing. Allele origin: unknown.

Institute of Human Genetics, University of Leipzig Medical Center
Classification: Uncertain significance for Long QT syndrome 2. Last evaluated: 2019-11-26. Review status: criteria provided, single submitter. Criteria: ACMG Guidelines, 2015. Collection method: clinical testing. Allele origin: germline. Affected: yes. Observed: 1 variant allele.

Color Diagnostics, LLC DBA Color Health
Classification: Uncertain significance for Arrhythmia. Last evaluated: 2018-09-04. Review status: criteria provided, single submitter. Criteria: ACMG Guidelines, 2015. Collection method: clinical testing. Allele origin: germline.
Comment: Variant of Uncertain Significance due to insufficient evidence: This missense variant is located in the cytoplasmic domain of the KCNH2 protein. Computational prediction tools and conservation analyses are inconclusive regarding the impact of this variant on the protein function. Computational splicing tools suggest that this variant may not impact the RNA splicing. To our knowledge, functional assays have not been performed for this variant. This variant has been reported in an individual with arrhythmia (PMID: 28567303), in an individual with a family history of sudden cardiac death (PMID: 21499742) and in an individual affected with typical Andersen-Tawil syndrome, who also carried a variant in the KCNJ2 gene (PMID: 22589293). This variant has also been identified in 9/238484 chromosomes in the general population by the Genome Aggregation Database (gnomAD). Available evidence is insufficient to determine the pathogenicity of this variant conclusively.

Laboratory for Molecular Medicine, Mass General Brigham Personalized Medicine
Classification: Uncertain significance. Last evaluated: 2016-06-16. Review status: criteria provided, single submitter. Criteria: LMM Criteria. Collection method: clinical testing. Allele origin: germline.
Comment: Variant identified in a genome or exome case(s) and assessed due to predicted null impact of the variant or pathogenic assertions in the literature or databases. Disclaimer: This variant has not undergone full assessment. The following are preliminary notes: Reported in 2 probands, 1 functional study suggests benign

Stanford Center for Inherited Cardiovascular Disease, Stanford University
Classification: Uncertain significance. Last evaluated: 2012-06-13. Review status: criteria provided, single submitter. Criteria: ACMG Guidelines, 2015. Collection method: provider interpretation. Allele origin: germline.

Cardiovascular Biomedical Research Unit, Royal Brompton & Harefield NHS Foundation Trust
No classification provided. Condition: Familial long QT syndrome. Review status: no classification provided. Collection method: literature only. Allele origin: germline. Not counted in ClinVar's aggregate classification.
Comment: This variant has been reported as associated with Long QT syndrome in the following publications (PMID:19716085;PMID:19841300). This is a literature report, and does not necessarily reflect the clinical interpretation of the Imperial College / Royal Brompton Cardiovascular Genetics laboratory.

Literature cited by the submitters: PubMed 19716085 (cited by Labcorp Genetics (formerly Invitae), Labcorp and Cardiovascular Biomedical Research Unit, Royal Brompton & Harefield NHS Foundation Trust); PubMed 22949429 (cited by Labcorp Genetics (formerly Invitae), Labcorp); PubMed 29727688 (cited by Labcorp Genetics (formerly Invitae), Labcorp); PubMed 36861347 (cited by Labcorp Genetics (formerly Invitae), Labcorp); PubMed 19841300 (cited by Cardiovascular Biomedical Research Unit, Royal Brompton & Harefield NHS Foundation Trust); PubMed 22581653 (cited by Cardiovascular Biomedical Research Unit, Royal Brompton & Harefield NHS Foundation Trust).

NM_000238.4(KCNH2):c.3278C>T (p.Pro1093Leu)

Gene: KCNH2 (potassium voltage-gated channel subfamily H member 2; minus strand). Cytogenetic location: 7q36.1.
Variant type: single nucleotide variant.
Coding change: c.3278C>T on transcript NM_000238.4 (MANE Select); coding-DNA position 3278, C replaced by T.
Protein change: p.Pro1093Leu; replaces proline 1093 with leucine.
Molecular consequence: missense variant.
Genome position (GRCh38, 1-based): chr7:150,946,929, G>A on the plus strand (C>T on the coding strand, the complement: KCNH2 is on the minus strand). VCF-style: chr7-150946929-G-A. GRCh37 (hg19) VCF-style: chr7-150644017-G-A.
Other names: c.2258C>T, p.Pro753Leu (NM_172057.3); c.3278C>T (LRG_288t1); short protein forms P1093L, P753L.
Identifiers: ClinVar variation 67485 (VCV000067485.19), dbSNP rs199473545, ClinGen allele CA008157.